The following is an entry in ClinVar:

ClinVar aggregate classification (germline): Uncertain significance (1 of 4 stars; one submission).

Conditions:
Inborn genetic diseases. Identifiers: MedGen C0950123, MeSH D030342.

gnomAD v4.1: 2 of 1,613,790 alleles (0.00012%); highest among the groups gnomAD compares: African/African-American, 0.0027%; no homozygotes.

Submission:

Ambry Genetics
Classification: Uncertain significance for Inborn genetic diseases. Last evaluated: 2024-11-20. Review status: criteria provided, single submitter. Criteria: Ambry Variant Classification Scheme 2023. Collection method: clinical testing. Allele origin: germline.
Comment: The p.G66D variant (also known as c.197G>A), located in coding exon 2 of the RTEL1 gene, results from a G to A substitution at nucleotide position 197. The glycine at codon 66 is replaced by aspartic acid, an amino acid with similar properties. This amino acid position is conserved. In addition, this alteration is predicted to be tolerated by in silico analysis. Based on the available evidence, the clinical significance of this variant remains unclear.

NM_001283009.2(RTEL1):c.197G>A (p.Gly66Asp)

Genes: RTEL1 (regulator of telomere elongation helicase 1; plus strand), RTEL1-TNFRSF6B (RTEL1-TNFRSF6B readthrough (NMD candidate); plus strand). Cytogenetic location: 20q13.33.
Variant type: single nucleotide variant.
Coding change: c.197G>A on transcript NM_001283009.2 (MANE Select); coding-DNA position 197, G replaced by A.
Protein change: p.Gly66Asp; replaces glycine 66 with aspartic acid.
Molecular consequence: missense variant. On other transcripts: non-coding transcript variant (1), 5 prime UTR variant (1).
Genome position (GRCh38, 1-based): chr20:63,661,392, G>A. VCF-style: chr20-63661392-G-A. GRCh37 (hg19) VCF-style: chr20-62292745-G-A.
Other names: c.-473G>A (NM_001283010.1); c.197G>A, p.Gly66Asp (NM_016434.4, NM_032957.5); short protein forms G66D.
Identifiers: ClinVar variation 3435944 (VCV003435944.1).